The following is an entry in ClinVar:

NM_024753.5(TTC21B):c.710+9A>G

Genes: TTC21B (tetratricopeptide repeat domain 21B; minus strand), TTC21B-AS1 (TTC21B antisense RNA 1; plus strand). Cytogenetic location: 2q24.3.
Variant type: single nucleotide variant.
Coding change: c.710+9A>G on transcript NM_024753.5 (MANE Select); 9 bases into the intron after coding-DNA position 710, A replaced by G.
Molecular consequence: intron variant.
Genome position (GRCh38, 1-based): chr2:165,941,018, T>C on the plus strand (A>G on the coding strand, the complement: TTC21B is on the minus strand). VCF-style: chr2-165941018-T-C. GRCh37 (hg19) VCF-style: chr2-166797528-T-C.
Other names: c.710+9A>G (NM_024753.4).
Identifiers: ClinVar variation 2149916 (VCV002149916.6), dbSNP rs1444386578, ClinGen allele CA537157214.

ClinVar aggregate classification (germline): Likely benign. Review status: criteria provided, multiple submitters, no conflicts (2 of 4 stars). 3 submissions from 3 submitters: Likely benign (3). Last evaluated 2026-04-15.

Conditions:
TTC21B-related disorder. Also called: TTC21B-related condition; TTC21B-related disorders.
Jeune thoracic dystrophy. Also called: Short-rib thoracic dysplasia; Jeune syndrome; Infantile thoracic dystrophy; Thoracic pelvic phalangeal dystrophy; Jeune's syndrome; Chondroectodermal dysplasia-like syndrome. Identifiers: Orphanet 474, MedGen C0265275, MONDO:0018770.
Nephronophthisis. Also called: Juvenile Nephronophthisis. Identifiers: Orphanet 655, MedGen C0687120, MONDO:0019005, HP:0000090.

Allele frequency attached by ClinVar (database versions not stated): gnomAD exomes below 0.00001; TOPMed below 0.00001; gnomAD 0.00001.

Submissions (3):

PreventionGenetics, part of Exact Sciences
Classification: Likely benign for TTC21B-related condition. Last evaluated: 2026-04-15. Review status: criteria provided, single submitter. Criteria: ACMG Guidelines, 2015. Collection method: clinical testing. Allele origin: germline.
Comment: This variant is classified as likely benign based on ACMG/AMP sequence variant interpretation guidelines (Richards et al. 2015 PMID: 25741868, with internal and published modifications).

Labcorp Genetics (formerly Invitae), Labcorp
Classification: Likely benign for Jeune thoracic dystrophy; Nephronophthisis. Last evaluated: 2022-10-13. Review status: criteria provided, single submitter. Criteria: Invitae Variant Classification Sherloc (09022015). Collection method: clinical testing. Allele origin: germline.

Blueprint Genetics
Classification: Likely benign. Last evaluated: 2021-10-07. Review status: criteria provided, single submitter. Criteria: ACMG Guidelines, 2015. Collection method: clinical testing. Allele origin: germline.